The following is an entry in ClinVar:

ClinVar aggregate classification (germline): Uncertain significance (1 of 4 stars; one submission).

Submission:

GeneDx
Classification: Uncertain significance. Last evaluated: 2025-03-25. Review status: criteria provided, single submitter. Criteria: GeneDx Variant Classification Process June 2021. Collection method: clinical testing. Allele origin: germline. Affected: yes.
Comment: Not observed at significant frequency in large population cohorts (gnomAD); In silico analysis supports that this missense variant has a deleterious effect on protein structure/function; Has not been previously published as pathogenic or benign to our knowledge

NM_138927.4(SON):c.2165A>G (p.Glu722Gly)

Gene: SON (SON DNA and RNA binding protein; plus strand). Cytogenetic location: 21q22.11.
Variant type: single nucleotide variant.
Coding change: c.2165A>G on transcript NM_138927.4 (MANE Select); coding-DNA position 2165, A replaced by G.
Protein change: p.Glu722Gly; replaces glutamic acid 722 with glycine.
Molecular consequence: missense variant. On other transcripts: non-coding transcript variant (1), intron variant (1).
Genome position (GRCh38, 1-based): chr21:33,551,396, A>G. VCF-style: chr21-33551396-A-G. GRCh37 (hg19) VCF-style: chr21-34923702-A-G.
Other names: c.2165A>G, p.Glu722Gly (NM_001291411.2, NM_032195.3); c.244+5017A>G (NM_001291412.3); short protein forms E722G.
Identifiers: ClinVar variation 4087885 (VCV004087885.1).